The following is an entry in ClinVar:

NM_030912.3(TRIM8):c.136G>A (p.Asp46Asn)

Genes: TRIM8 (tripartite motif containing 8; plus strand), LOC130004618 (ATAC-STARR-seq lymphoblastoid active region 3941; plus strand). Cytogenetic location: 10q24.32.
Variant type: single nucleotide variant.
Coding change: c.136G>A on transcript NM_030912.3 (MANE Select); coding-DNA position 136, G replaced by A.
Protein change: p.Asp46Asn; replaces aspartic acid 46 with asparagine.
Molecular consequence: missense variant. On other transcripts: non-coding transcript variant (1).
Genome position (GRCh38, 1-based): chr10:102,644,753, G>A. VCF-style: chr10-102644753-G-A. GRCh37 (hg19) VCF-style: chr10-104404510-G-A.
Other names: c.136G>A, p.Asp46Asn (NM_001345950.1); short protein forms D46N.
Identifiers: ClinVar variation 2230011 (VCV002230011.3), dbSNP rs1234193080, ClinGen allele CA377924480.

ClinVar aggregate classification (germline): Uncertain significance. Review status: criteria provided, multiple submitters, no conflicts (2 of 4 stars). 2 submissions from 2 submitters: Uncertain significance (2). Last evaluated 2025-05-19.

Conditions:
Inborn genetic diseases. Identifiers: MedGen C0950123, MeSH D030342.

Allele frequency attached by ClinVar (database versions not stated): gnomAD exomes below 0.00001; TOPMed 0.00001.
gnomAD v4.1: 1 of 1,613,278 alleles (0.000062%); highest among the groups gnomAD compares: Non-Finnish European, 0.000085%; no homozygotes.

Submissions (2):

Labcorp Genetics (formerly Invitae), Labcorp
Classification: Uncertain significance. Last evaluated: 2025-05-19. Review status: criteria provided, single submitter. Criteria: Invitae Variant Classification Sherloc (09022015). Collection method: clinical testing. Allele origin: germline.
Comment: This sequence change replaces aspartic acid, which is acidic and polar, with asparagine, which is neutral and polar, at codon 46 of the TRIM8 protein (p.Asp46Asn). This variant is present in population databases (no rsID available, gnomAD 0.0009%). This variant has not been reported in the literature in individuals affected with TRIM8-related conditions. ClinVar contains an entry for this variant (Variation ID: 2230011). An algorithm developed to predict the effect of missense changes on protein structure and function (PolyPhen-2) suggests that this variant is likely to be disruptive. In summary, the available evidence is currently insufficient to determine the role of this variant in disease. Therefore, it has been classified as a Variant of Uncertain Significance.

Ambry Genetics
Classification: Uncertain significance for Inborn genetic diseases. Last evaluated: 2021-03-07. Review status: criteria provided, single submitter. Criteria: Ambry Variant Classification Scheme 2023. Collection method: clinical testing. Allele origin: germline.